The following is an entry in ClinVar:

NM_012330.4(KAT6B):c.3943G>C (p.Gly1315Arg)

Gene: KAT6B (lysine acetyltransferase 6B; plus strand). Cytogenetic location: 10q22.2.
Variant type: single nucleotide variant.
Coding change: c.3943G>C on transcript NM_012330.4 (MANE Select); coding-DNA position 3943, G replaced by C.
Protein change: p.Gly1315Arg; replaces glycine 1315 with arginine.
Molecular consequence: missense variant.
Genome position (GRCh38, 1-based): chr10:75,028,767, G>C. VCF-style: chr10-75028767-G-C. GRCh37 (hg19) VCF-style: chr10-76788525-G-C.
Other names: c.3394G>C, p.Gly1132Arg (NM_001256468.2, NM_001370138.1); c.3067G>C, p.Gly1023Arg (NM_001256469.2, NM_001370139.1, NM_001370140.1 and 2 more transcripts); c.2905G>C, p.Gly969Arg (NM_001370132.1); c.2254G>C, p.Gly752Arg (NM_001370133.1); c.1858G>C, p.Gly620Arg (NM_001370134.1); c.1600G>C, p.Gly534Arg (NM_001370135.1); c.3943G>C, p.Gly1315Arg (NM_001370136.1, NM_001370137.1); c.3943G>C (NM_012330.2); and 1 more; short protein forms G1132R, G1315R, G752R, G534R, G969R, G1023R, G620R, G960R.
Identifiers: ClinVar variation 2061717 (VCV002061717.5), dbSNP rs756960480, ClinGen allele CA5564927.
Genomic context (GRCh38, chr10:75,028,767, plus strand): 5'-ACTTCAGAAGGAAAAACCAGCCCCAGTCCCATCAGGATTGAGGAGGAGGTCAAGGAAACT[G>C]GGGAAGCCCTGTTGCCTCAAGAGGAAAACAGAAGGGAAGAAACATGTGCCCCTGTAAGTC-3'
Protein context (NP_036462.2, residues 1305-1325): IRIEEEVKET[Gly1315Arg]EALLPQEENR

ClinVar aggregate classification (germline): Conflicting classifications of pathogenicity. Review status: criteria provided, conflicting classifications (1 of 4 stars). 2 submissions from 2 submitters: Uncertain significance (1); Likely benign (1). Last evaluated 2024-11-25.

Conditions:
Genitopatellar syndrome (GTPTS). Also called: Genitopatellar syndrome (GPS); ABSENT PATELLAE, SCROTAL HYPOPLASIA, RENAL ANOMALIES, FACIAL DYSMORPHISM, AND MENTAL RETARDATION. Identifiers: Orphanet 85201, MedGen C1853566, MONDO:0011640, OMIM 606170.
Inborn genetic diseases. Identifiers: MedGen C0950123, MeSH D030342.

Allele frequency attached by ClinVar (database versions not stated): gnomAD 0.00001; TOPMed 0.00001; gnomAD exomes 0.00002; ExAC 0.00004.
gnomAD v4.1: 37 of 1,613,992 alleles (0.0023%); highest among the groups gnomAD compares: Non-Finnish European, 0.003%; no homozygotes.

Submissions (2):

Ambry Genetics
Classification: Likely benign for Inborn genetic diseases. Last evaluated: 2024-11-25. Review status: criteria provided, single submitter. Criteria: Ambry Variant Classification Scheme 2023. Collection method: clinical testing. Allele origin: germline.

Labcorp Genetics (formerly Invitae), Labcorp
Classification: Uncertain significance for Genitopatellar syndrome. Last evaluated: 2023-12-21. Review status: criteria provided, single submitter. Criteria: Invitae Variant Classification Sherloc (09022015). Collection method: clinical testing. Allele origin: germline.
Comment: This sequence change replaces glycine, which is neutral and non-polar, with arginine, which is basic and polar, at codon 1315 of the KAT6B protein (p.Gly1315Arg). This variant is present in population databases (rs756960480, gnomAD 0.005%). This variant has not been reported in the literature in individuals affected with KAT6B-related conditions. ClinVar contains an entry for this variant (Variation ID: 2061717). Advanced modeling of protein sequence and biophysical properties (such as structural, functional, and spatial information, amino acid conservation, physicochemical variation, residue mobility, and thermodynamic stability) performed at Invitae indicates that this missense variant is not expected to disrupt KAT6B protein function with a negative predictive value of 80%. In summary, the available evidence is currently insufficient to determine the role of this variant in disease. Therefore, it has been classified as a Variant of Uncertain Significance.